The following is an entry in ClinVar:

ClinVar aggregate classification (germline): Likely pathogenic (1 of 4 stars; one submission).

Conditions:
Wilson disease (WND). Also called: Wilson's disease. Identifiers: Orphanet 905, MedGen C0019202, MONDO:0010200, OMIM 277900. Disease mechanism: loss of function.

Submission:

Natera, Inc.
Classification: Likely pathogenic for Wilson disease. Last evaluated: 2025-01-16. Review status: criteria provided, single submitter. Criteria: Natera Variant Classification Schema (03/2026). Collection method: clinical testing. Allele origin: germline.
Comment: The c.2335T>C variant in ATP7B is a missense variant predicted to cause substitution of tryptophan to arginine at amino acid 779. This variant is rare in the general population with a frequency below the threshold expected for the associated phenotype(s). This variant has been observed in one or more individuals affected with the associated recessive disease, as either homozygous or compound heterozygous with a second variant (PMID: 23885147). A different variant at the same position has been determined to be Pathogenic or Likely Pathogenic. Computational prediction algorithms indicate this variant is likely to affect gene or protein function. Given the available evidence, this variant is classified as Likely Pathogenic.

Literature cited by the submitters: PubMed 23885147.

NM_000053.4(ATP7B):c.2335T>C (p.Trp779Arg)

Gene: ATP7B (ATPase copper transporting beta; minus strand). Cytogenetic location: 13q14.3.
Variant type: single nucleotide variant.
Coding change: c.2335T>C on transcript NM_000053.4 (MANE Select); coding-DNA position 2335, T replaced by C.
Protein change: p.Trp779Arg; replaces tryptophan 779 with arginine.
Molecular consequence: missense variant. On other transcripts: intron variant (14).
Genome position (GRCh38, 1-based): chr13:51,958,331, A>G on the plus strand (T>C on the coding strand, the complement: ATP7B is on the minus strand). VCF-style: chr13-51958331-A-G. GRCh37 (hg19) VCF-style: chr13-52532467-A-G.
Other names: c.2002T>C, p.Trp668Arg (NM_001243182.2); c.2083T>C, p.Trp695Arg (NM_001330579.2, NM_001406531.1, NM_001406532.1 and 1 more transcripts); c.2335T>C, p.Trp779Arg (NM_001406511.1, NM_001406512.1, NM_001406513.1 and 7 more transcripts); c.2302T>C, p.Trp768Arg (NM_001406514.1); c.2239T>C, p.Trp747Arg (NM_001406517.1, NM_001406518.1); c.2191T>C, p.Trp731Arg (NM_001406520.1, NM_001406521.1, NM_001406522.1 and 1 more transcripts); c.2158T>C, p.Trp720Arg (NM_001406524.1); c.2095T>C, p.Trp699Arg (NM_001406530.1); and 8 more; short protein forms W636R, W663R, W668R, W695R, W699R, W720R, W731R, W747R.
Identifiers: ClinVar variation 4815160 (VCV004815160.1).